The following is an entry in ClinVar:

ClinVar aggregate classification (germline): Uncertain significance (1 of 4 stars; one submission).

Allele frequency attached by ClinVar (database versions not stated): gnomAD exomes below 0.00001.
gnomAD v4.1: 1 of 1,613,748 alleles (0.000062%); highest among the groups gnomAD compares: African/African-American, 0.0013%; no homozygotes.

Submission:

Ambry Genetics
Classification: Uncertain significance. Last evaluated: 2022-06-04. Review status: criteria provided, single submitter. Criteria: Ambry Variant Classification Scheme 2023. Collection method: clinical testing. Allele origin: germline.
Comment: The p.G288A variant (also known as c.863G>C), located in coding exon 6 of the BUB3 gene, results from a G to C substitution at nucleotide position 863. The glycine at codon 288 is replaced by alanine, an amino acid with similar properties. This amino acid position is conserved. In addition, this alteration is predicted to be deleterious by in silico analysis. Since supporting evidence is limited at this time, the clinical significance of this alteration remains unclear.

NM_004725.4(BUB3):c.863G>C (p.Gly288Ala)

Gene: BUB3 (BUB3 mitotic checkpoint protein; plus strand). Cytogenetic location: 10q26.13.
Variant type: single nucleotide variant.
Coding change: c.863G>C on transcript NM_004725.4 (MANE Select); coding-DNA position 863, G replaced by C.
Protein change: p.Gly288Ala; replaces glycine 288 with alanine.
Molecular consequence: missense variant.
Genome position (GRCh38, 1-based): chr10:123,162,720, G>C. VCF-style: chr10-123162720-G-C. GRCh37 (hg19) VCF-style: chr10-124922236-G-C.
Other names: c.863G>C, p.Gly288Ala (NM_001007793.3); short protein forms G288A.
Identifiers: ClinVar variation 1764132 (VCV001764132.2), dbSNP rs1289144846, ClinGen allele CA378627086.